The following is an entry in ClinVar:

NM_005720.4(ARPC1B):c.708C>T (p.Ala236=)

Gene: ARPC1B (actin related protein 2/3 complex subunit 1B; plus strand). Cytogenetic location: 7q22.1.
Variant type: single nucleotide variant.
Coding change: c.708C>T on transcript NM_005720.4 (MANE Select); coding-DNA position 708, C replaced by T.
Protein change: p.Ala236=; no amino-acid change (alanine 236 retained).
Molecular consequence: synonymous variant.
Genome position (GRCh38, 1-based): chr7:99,391,178, C>T. VCF-style: chr7-99391178-C-T. GRCh37 (hg19) VCF-style: chr7-98988801-C-T.
Other names: p.Ala236=; c.708C>T (NM_005720.3).
Identifiers: ClinVar variation 1006395 (VCV001006395.9), dbSNP rs768768149, ClinGen allele CA4364111.

ClinVar aggregate classification (germline): Conflicting classifications of pathogenicity. Review status: criteria provided, conflicting classifications (1 of 4 stars). 4 submissions from 4 submitters: Uncertain significance (1); Likely benign (3). Last evaluated 2025-08-06.

Conditions:
Inborn genetic diseases. Identifiers: MedGen C0950123, MeSH D030342.

Allele frequency attached by ClinVar (database versions not stated): gnomAD exomes 0.00003 and 0.00004; ExAC 0.00006; gnomAD 0.00009.

Submissions (4):

Mayo Clinic Laboratories, Mayo Clinic
Classification: Likely benign. Last evaluated: 2025-08-06. Review status: criteria provided, single submitter. Criteria: ACMG Guidelines, 2015. Collection method: clinical testing. Allele origin: germline. Observed: 1 variant allele.
Comment: BP4, BP7

Ambry Genetics
Classification: Likely benign for Inborn genetic diseases. Last evaluated: 2024-03-31. Review status: criteria provided, single submitter. Criteria: Ambry Variant Classification Scheme 2023. Collection method: clinical testing. Allele origin: germline.

Labcorp Genetics (formerly Invitae), Labcorp
Classification: Uncertain significance. Last evaluated: 2024-01-22. Review status: criteria provided, single submitter. Criteria: Invitae Variant Classification Sherloc (09022015). Collection method: clinical testing. Allele origin: germline.
Comment: This sequence change affects codon 236 of the ARPC1B mRNA. It is a 'silent' change, meaning that it does not change the encoded amino acid sequence of the ARPC1B protein. It affects a nucleotide within the consensus splice site. This variant is present in population databases (rs768768149, gnomAD 0.07%). This variant has not been reported in the literature in individuals affected with ARPC1B-related conditions. ClinVar contains an entry for this variant (Variation ID: 1006395). Algorithms developed to predict the effect of sequence changes on RNA splicing suggest that this variant is not likely to affect RNA splicing. In summary, the available evidence is currently insufficient to determine the role of this variant in disease. Therefore, it has been classified as a Variant of Uncertain Significance.

Blueprint Genetics
Classification: Likely benign. Last evaluated: 2020-05-29. Review status: criteria provided, single submitter. Criteria: ACMG Guidelines, 2015. Collection method: clinical testing. Allele origin: germline.